The following is an entry in ClinVar:

ClinVar aggregate classification (germline): Uncertain significance (1 of 4 stars; one submission).

Conditions:
Schuurs-Hoeijmakers syndrome. Also called: PACS1-Related Neurodevelopmental Disorder. Identifiers: Orphanet 329224, MedGen C3554343, MONDO:0014006, OMIM 615009.

Allele frequency attached by ClinVar (database versions not stated): gnomAD exomes 0.00001; TOPMed below 0.00001; gnomAD 0.00001.
gnomAD v4.1: 20 of 1,613,224 alleles (0.0012%); highest among the groups gnomAD compares: Non-Finnish European, 0.0014%; no homozygotes.

Submission:

Labcorp Genetics (formerly Invitae), Labcorp
Classification: Uncertain significance for Schuurs-Hoeijmakers syndrome. Last evaluated: 2023-06-27. Review status: criteria provided, single submitter. Criteria: Invitae Variant Classification Sherloc (09022015). Collection method: clinical testing. Allele origin: germline.
Comment: This sequence change replaces methionine, which is neutral and non-polar, with threonine, which is neutral and polar, at codon 802 of the PACS1 protein (p.Met802Thr). This variant is not present in population databases (gnomAD no frequency). In summary, the available evidence is currently insufficient to determine the role of this variant in disease. Therefore, it has been classified as a Variant of Uncertain Significance. Advanced modeling of protein sequence and biophysical properties (such as structural, functional, and spatial information, amino acid conservation, physicochemical variation, residue mobility, and thermodynamic stability) performed at Invitae indicates that this missense variant is not expected to disrupt PACS1 protein function. This variant has not been reported in the literature in individuals affected with PACS1-related conditions.

NM_018026.4(PACS1):c.2405T>C (p.Met802Thr)

Gene: PACS1 (phosphofurin acidic cluster sorting protein 1; plus strand). Cytogenetic location: 11q13.2.
Variant type: single nucleotide variant.
Coding change: c.2405T>C on transcript NM_018026.4 (MANE Select); coding-DNA position 2405, T replaced by C.
Protein change: p.Met802Thr; replaces methionine 802 with threonine.
Molecular consequence: missense variant.
Genome position (GRCh38, 1-based): chr11:66,239,253, T>C. VCF-style: chr11-66239253-T-C. GRCh37 (hg19) VCF-style: chr11-66006724-T-C.
Other names: short protein forms M802T.
Identifiers: ClinVar variation 2786332 (VCV002786332.3), dbSNP rs1173155013, ClinGen allele CA381380428.